The following is an entry in ClinVar:

NC_000001.10:g.(?_17380437)_(17380520_?)del

Gene: SDHB (succinate dehydrogenase complex iron sulfur subunit B; minus strand). Cytogenetic location: 1p36.13.
Variant type: Deletion.
Identifiers: ClinVar variation 468232 (VCV000468232.1).

ClinVar aggregate classification (germline): Pathogenic (1 of 4 stars; one submission).

Conditions:
Pheochromocytoma. Also called: MAX-Related Hereditary Paraganglioma-Pheochromocytoma Syndrome. Identifiers: Orphanet 29072, MedGen C0031511, MONDO:0008233, OMIM 171300, HP:0002666.
Pheochromocytoma/paraganglioma syndrome 4. Also called: SDHB-Related Hereditary Paraganglioma-Pheochromocytoma Syndrome (Paragangliomas 4); CAROTID BODY TUMORS AND MULTIPLE EXTRAADRENAL PHEOCHROMOCYTOMAS; PARAGANGLIOMA, FAMILIAL MALIGNANT; PARAGANGLIOMAS, HEREDITARY EXTRAADRENAL; SDHB-Related Hereditary Paraganglioma-Pheochromocytoma Syndrome; PHEOCHROMOCYTOMA, FAMILIAL EXTRAADRENAL. Identifiers: Orphanet 29072, MedGen C1861848, MONDO:0007273, OMIM 115310.
Gastrointestinal stromal tumor. Also called: Gastrointestinal stroma tumor; Gastrointestinal stromal tumor, somatic. Identifiers: Orphanet 44890, MedGen C0238198, MeSH D046152, MONDO:0011719, OMIM 606764, HP:0100723.

Submission:

Labcorp Genetics (formerly Invitae), Labcorp
Classification: Pathogenic for Gastrointestinal stroma tumor; Paragangliomas 4; Pheochromocytoma. Last evaluated: 2018-03-30. Review status: criteria provided, single submitter. Criteria: Invitae Variant Classification Sherloc (09022015). Collection method: clinical testing. Allele origin: germline.
Comment: This variant is a gross deletion of the genomic region encompassing exon 1 of the SDHB gene, which includes the initiator codon. The 5' end of this event is unknown as it extends beyond the assayed region for this gene and therefore may encompass additional genes. The 3' boundary is likely confined to intron 1 of the SDHB gene. This is expected to result in an absent or disrupted protein product. Loss-of-function variants in SDHB are known to be pathogenic. Similar deletions that encompass exon 1 have been reported in the literature in individuals and families affected with paraganglioma and pheochromocytoma (PMID: 19389109, 19351833, 16258955, 15531530, 19802898, 18057081, 25683602). A recurrent deletion of exon 1 has been reported to be a founder mutation in populations originating from the Iberian peninsula (PMID: 19802898, 19389109). For these reasons, this variant has been classified as Pathogenic.

Literature cited by the submitters: PubMed 19389109; PubMed 19351833; PubMed 16258955; PubMed 15531530; PubMed 19802898; PubMed 18057081; PubMed 25683602.